The following is an entry in ClinVar:

ClinVar aggregate classification (germline): Pathogenic (1 of 4 stars; one submission).

Conditions:
Myopathy, proximal, and ophthalmoplegia (CMYO6). Also called: MYOPATHY WITH CONGENITAL JOINT CONTRACTURES, OPHTHALMOPLEGIA, AND RIMMED VACUOLES; CONGENITAL MYOPATHY 6 WITH OPHTHALMOPLEGIA; INCLUSION BODY MYOPATHY 3, AUTOSOMAL DOMINANT. Identifiers: Orphanet 363677, Orphanet 79091, MedGen C1854106, MONDO:0011577, OMIM 605637.

gnomAD v4.1: 1 of 1,614,102 alleles (0.000062%); highest among the groups gnomAD compares: Non-Finnish European, 0.000085%; no homozygotes.

Submission:

Labcorp Genetics (formerly Invitae), Labcorp
Classification: Pathogenic for Myopathy, proximal, and ophthalmoplegia. Last evaluated: 2024-03-09. Review status: criteria provided, single submitter. Criteria: Invitae Variant Classification Sherloc (09022015). Collection method: clinical testing. Allele origin: germline.
Comment: This sequence change creates a premature translational stop signal (p.Gln1273*) in the MYH2 gene. It is expected to result in an absent or disrupted protein product. Loss-of-function variants in MYH2 are known to be pathogenic (PMID: 20418530, 23388406, 24193343). This variant is not present in population databases (gnomAD no frequency). This variant has not been reported in the literature in individuals affected with MYH2-related conditions. For these reasons, this variant has been classified as Pathogenic.

Literature cited by the submitters: PubMed 20418530; PubMed 23388406; PubMed 24193343.

NM_017534.6(MYH2):c.3817C>T (p.Gln1273Ter)

Genes: MYH2 (myosin heavy chain 2; minus strand), MYHAS (myosin heavy chain gene cluster antisense RNA; plus strand). Cytogenetic location: 17p13.1.
Variant type: single nucleotide variant.
Coding change: c.3817C>T on transcript NM_017534.6 (MANE Select); coding-DNA position 3817, C replaced by T.
Protein change: p.Gln1273Ter; replaces glutamine 1273 with a stop codon.
Molecular consequence: nonsense.
Genome position (GRCh38, 1-based): chr17:10,527,802, G>A on the plus strand (C>T on the coding strand, the complement: MYH2 is on the minus strand). VCF-style: chr17-10527802-G-A. GRCh37 (hg19) VCF-style: chr17-10431119-G-A.
Other names: c.3817C>T, p.Gln1273Ter (NM_001100112.2); short protein forms Q1273*.
Identifiers: ClinVar variation 3606820 (VCV003606820.2).